The following is an entry in ClinVar:

NM_004629.2(FANCG):c.325C>G (p.Gln109Glu)

Gene: FANCG (FA complementation group G; minus strand). Cytogenetic location: 9p13.3.
Variant type: single nucleotide variant.
Coding change: c.325C>G on transcript NM_004629.2 (MANE Select); coding-DNA position 325, C replaced by G.
Protein change: p.Gln109Glu; replaces glutamine 109 with glutamic acid.
Molecular consequence: missense variant.
Genome position (GRCh38, 1-based): chr9:35,078,326, G>C on the plus strand (C>G on the coding strand, the complement: FANCG is on the minus strand). VCF-style: chr9-35078326-G-C. GRCh37 (hg19) VCF-style: chr9-35078323-G-C.
Other names: short protein forms Q109E.
Identifiers: ClinVar variation 4254491 (VCV004254491.1).

ClinVar aggregate classification (germline): Uncertain significance (1 of 4 stars; one submission).

Conditions:
Inborn genetic diseases. Identifiers: MedGen C0950123, MeSH D030342.

Submission:

Ambry Genetics
Classification: Uncertain significance for Inborn genetic diseases. Last evaluated: 2025-08-30. Review status: criteria provided, single submitter. Criteria: Ambry Variant Classification Scheme 2023. Collection method: clinical testing. Allele origin: germline.
Comment: The p.Q109E variant (also known as c.325C>G), located in coding exon 4 of the FANCG gene, results from a C to G substitution at nucleotide position 325. The glutamine at codon 109 is replaced by glutamic acid, an amino acid with highly similar properties. This amino acid position is conserved. In addition, this alteration is predicted to be tolerated by in silico analysis. Based on the available evidence, the clinical significance of this variant remains unclear.